The following is an entry in ClinVar:

NM_000091.5(COL4A3):c.2990G>A (p.Gly997Glu)

Genes: COL4A3 (collagen type IV alpha 3 chain; plus strand), MFF-DT (MFF divergent transcript; minus strand). Cytogenetic location: 2q36.3.
Variant type: single nucleotide variant.
Coding change: c.2990G>A on transcript NM_000091.5 (MANE Select); coding-DNA position 2990, G replaced by A.
Protein change: p.Gly997Glu; replaces glycine 997 with glutamic acid.
Molecular consequence: missense variant.
Genome position (GRCh38, 1-based): chr2:227,290,008, G>A. VCF-style: chr2-227290008-G-A. GRCh37 (hg19) VCF-style: chr2-228154724-G-A.
Other names: short protein forms G997E.
Identifiers: ClinVar variation 551881 (VCV000551881.19), dbSNP rs1553762113, ClinGen allele CA350854767.

ClinVar aggregate classification (germline): Pathogenic/Likely pathogenic. Review status: criteria provided, multiple submitters, no conflicts (2 of 4 stars). 6 submissions from 6 submitters: Pathogenic (3); Likely pathogenic (2). 1 of the submissions does not count toward it. Last evaluated 2023-09-26.

Conditions:
Autosomal dominant Alport syndrome (ATS3A). Also called: ALPORT SYNDROME 3A, AUTOSOMAL DOMINANT; Alport syndrome dominant type; Renal failure and sensorineural hearing loss. Identifiers: Orphanet 63, Orphanet 88918, MedGen C5882663, MONDO:0007086, OMIM 104200.
Alport syndrome 3b, autosomal recessive. Identifiers: MedGen C5882699, MONDO:0957811, OMIM 620536.
Hematuria, benign familial, 2 (BFH2). Identifiers: MedGen C5830421, MONDO:0958186, OMIM 620320.
Hematuria, benign familial, 1 (BFH1). Also called: THIN MEMBRANE NEPHROPATHY. Identifiers: MedGen CN376803, MONDO:0007709, OMIM 141200.
Autosomal recessive Alport syndrome (ATS2). Also called: ALPORT SYNDROME 2, AUTOSOMAL RECESSIVE; Alport syndrome type 2; COL4A3-Related Nephropathy; COL4A4 Alport Syndrome and Thin Basement Membrane Nephropathy. Identifiers: Orphanet 63, Orphanet 88919, MedGen C4746745, MONDO:0008762, OMIM 203780.

Allele frequency attached by ClinVar (database versions not stated): gnomAD exomes below 0.00001.
gnomAD v4.1: 1 of 1,614,112 alleles (0.000062%); highest among the groups gnomAD compares: East Asian, 0.0022%; no homozygotes.

Submissions (6):

Women's Health and Genetics/Laboratory Corporation of America, LabCorp
Classification: Pathogenic for Autosomal recessive Alport syndrome. Last evaluated: 2023-09-26. Review status: criteria provided, single submitter. Criteria: LabCorp Variant Classification Summary - May 2015. Collection method: clinical testing. Allele origin: germline.
Comment: Variant summary: COL4A3 c.2990G>A (p.Gly997Glu) results in a non-conservative amino acid change located in the Collagen triple helix repeat (IPR008160) of the encoded protein sequence and is predicted to disrupt a critical Gly residue at position 1 of a Gly-X-Y repeat in the collagenous domain of the collagen IV alpha 3 chain (PMID: 33854215). Five of five in-silico tools predict a damaging effect of the variant on protein function. The variant was absent in 249520 control chromosomes (gnomAD). c.2990G>A has been reported in the literature in multiple individuals affected with both autosomal recessive and autosomal dominant Alport Syndrome (e.g., Xie_2014, Zhang_2021). These data indicate that the variant is very likely to be associated with disease. The following publications have been ascertained in the context of this evaluation (PMID: 25596306, 33772369). Two submitters have reported clinical-significance assessments for this variant to ClinVar after 2014. One submitter classified the variant as pathogenic, and one submitter classified the variant as uncertain significance. Based on the evidence outlined above, the variant was classified as pathogenic.

Labcorp Genetics (formerly Invitae), Labcorp
Classification: Pathogenic. Last evaluated: 2023-08-24. Review status: criteria provided, single submitter. Criteria: Invitae Variant Classification Sherloc (09022015). Collection method: clinical testing. Allele origin: germline.
Comment: For these reasons, this variant has been classified as Pathogenic. Advanced modeling of protein sequence and biophysical properties (such as structural, functional, and spatial information, amino acid conservation, physicochemical variation, residue mobility, and thermodynamic stability) performed at Invitae indicates that this missense variant is expected to disrupt COL4A3 protein function. ClinVar contains an entry for this variant (Variation ID: 551881). This missense change has been observed in individuals with clinical features of Alport syndrome and autosomal recessive Alport syndrome (PMID: 25381091, 25596306, 28542346). It has also been observed to segregate with disease in related individuals. This variant is not present in population databases (gnomAD no frequency). This sequence change replaces glycine, which is neutral and non-polar, with glutamic acid, which is acidic and polar, at codon 997 of the COL4A3 protein (p.Gly997Glu).

Department of Nephrology, Rheumatology and Immunology, Shanghai Children's Hospital
Classification: Likely pathogenic for Hematuria, benign familial, 1. Last evaluated: 2021-10-29. Review status: criteria provided, single submitter. Criteria: ACMG Guidelines, 2015. Collection method: clinical testing. Allele origin: paternal. Affected: yes. Observed: 1 variant allele.
Comment: The variant c.2990G>A (exon 36, NM_000091.5) leads to the amino acid change p.Gly997Glu. The variant is not recorded in the 1000 Genomes, ExAC and gnomAD databases. ClinVar contains inconsistent annotations of pathogenic, likely pathogenic and VUS for this locus. It was judged as LP (likely pathogenic) based on ACMG standards with evidence PM1+PM2+PP3+PP5.

Juno Genomics, Hangzhou Juno Genomics, Inc
Classification: Pathogenic for Autosomal dominant Alport syndrome; Alport syndrome 3b, autosomal recessive; Hematuria, benign familial, 2. Review status: criteria provided, single submitter. Criteria: ACMG Guidelines, 2015. Collection method: clinical testing. Allele origin: germline.
Comment: Absent from controls (or at extremely low frequency if recessive) in Genome Aggregation Database.;Multiple lines of computational evidence support a deleterious effect on the gene or gene product.;The prevalence of the variant in affected individuals is significantly increased compared to the prevalence in controls.;Co-segregation with disease in multiple affected family members.;Patient's phenotype or family history is highly specific for a disease with a single genetic etiology.

Precision Medicine Center, Zhengzhou University
Classification: Likely pathogenic for Autosomal recessive Alport syndrome. Review status: criteria provided, single submitter. Criteria: ACMG Guidelines, 2015. Collection method: research. Allele origin: germline. Affected: yes.
Comment: PM1:Located in a mutational hot spot PM2:not found in gnomAD PP1:Cosegregation with disease in multiple affected family members PP3:Multiple lines of computational evidence support a deleterious effect on the gene or gene product

Counsyl
Classification: Uncertain significance for Autosomal recessive Alport syndrome. Last evaluated: 2017-05-18. Review status: no assertion criteria provided. Collection method: clinical testing. Allele origin: unknown. Not counted in ClinVar's aggregate classification.

Literature cited by the submitters: PubMed 25596306 (cited by 3 submitters); PubMed 33772369 (cited by Women's Health and Genetics/Laboratory Corporation of America, LabCorp); PubMed 25381091 (cited by Labcorp Genetics (formerly Invitae), Labcorp and Counsyl); PubMed 28542346 (cited by Labcorp Genetics (formerly Invitae), Labcorp).